The following is an entry in ClinVar:

ClinVar aggregate classification (germline): Uncertain significance (1 of 4 stars; one submission).

Submission:

Labcorp Genetics (formerly Invitae), Labcorp
Classification: Uncertain significance. Last evaluated: 2020-12-23. Review status: criteria provided, single submitter. Criteria: Invitae Variant Classification Sherloc (09022015). Collection method: clinical testing. Allele origin: germline.
Comment: This sequence change replaces threonine with isoleucine at codon 360 of the SCP2 protein (p.Thr360Ile). The threonine residue is highly conserved and there is a moderate physicochemical difference between threonine and isoleucine. In summary, the available evidence is currently insufficient to determine the role of this variant in disease. Therefore, it has been classified as a Variant of Uncertain Significance. Algorithms developed to predict the effect of missense changes on protein structure and function (SIFT, PolyPhen-2, Align-GVGD) all suggest that this variant is likely to be disruptive, but these predictions have not been confirmed by published functional studies and their clinical significance is uncertain. This variant has not been reported in the literature in individuals with SCP2-related conditions. This variant is not present in population databases (ExAC no frequency).

NM_002979.5(SCP2):c.1079C>T (p.Thr360Ile)

Gene: SCP2 (sterol carrier protein 2; plus strand). Cytogenetic location: 1p32.3.
Variant type: single nucleotide variant.
Coding change: c.1079C>T on transcript NM_002979.5 (MANE Select); coding-DNA position 1079, C replaced by T.
Protein change: p.Thr360Ile; replaces threonine 360 with isoleucine.
Molecular consequence: missense variant.
Genome position (GRCh38, 1-based): chr1:52,988,134, C>T. VCF-style: chr1-52988134-C-T. GRCh37 (hg19) VCF-style: chr1-53453806-C-T.
Other names: c.947C>T, p.Thr316Ile (NM_001007098.3, NM_001193600.2); c.1007C>T, p.Thr336Ile (NM_001193599.2); c.836C>T, p.Thr279Ile (NM_001193617.2); c.1079C>T, p.Thr360Ile (NM_001330587.2); short protein forms T279I, T336I, T360I, T316I.
Identifiers: ClinVar variation 1501478 (VCV001501478.8), dbSNP rs2150186730, ClinGen allele CA340383497.
Genomic context (GRCh38, chr1:52,988,134, plus strand): 5'-GAAAGTGGGTCATAAATCCTAGTGGTGGACTGATTTCAAAGGGACACCCACTAGGCGCTA[C>T]AGGTAATGCTACATACAGATTTCATACATTTTAAAATCATTTTTTCCTTAAGTGTGAATG-3'
Protein context (NP_002970.2, residues 350-370): LISKGHPLGA[Thr360Ile]GLAQCAELCW